The following is an entry in ClinVar:

NM_001199799.2(ILDR1):c.1161_1162del (p.Trp388fs)

Gene: ILDR1 (immunoglobulin like domain containing receptor 1; minus strand). Cytogenetic location: 3q13.33.
Variant type: Deletion.
Coding change: c.1161_1162del on transcript NM_001199799.2 (MANE Select); coding-DNA positions 1161 to 1162, 2 bases deleted (TT; older notation c.1161_1162delTT).
Protein change: p.Trp388fs; shifts the reading frame from tryptophan 388.
Molecular consequence: frameshift variant.
Genome position (GRCh38, 1-based): chr3:121,993,587-121,993,588, AA deleted on the plus strand (TT on the coding strand, the reverse complement: ILDR1 is on the minus strand). VCF-style (leftmost placement, unchanged base first): chr3-121993586-CAA-C. GRCh37 (hg19) VCF-style: chr3-121712433-CAA-C.
Other names: c.894_895del, p.Trp299fs (NM_001199800.2); c.1029_1030del, p.Trp344fs (NM_175924.4); short protein forms W299fs, W344fs, W388fs.
Identifiers: ClinVar variation 560892 (VCV000560892.2), dbSNP rs1559870857, ClinGen allele CA435423861.

ClinVar aggregate classification (germline): Pathogenic/Likely pathogenic. Review status: no assertion criteria provided (0 of 4 stars). 2 submissions from 2 submitters: Pathogenic (1); Likely pathogenic (1). Last evaluated 2018-09-10.

Conditions:
Hearing loss, autosomal recessive. Also called: Rare autosomal recessive non-syndromic sensorineural deafness type DFNB; Nonsyndromic Hearing Loss, Recessive; Deafness, autosomal recessive; Autosomal recessive nonsyndromic deafness. Identifiers: Orphanet 90635, Orphanet 90636, MedGen C1846647, MONDO:0019588, OMIM 607197.
Deafness. Identifiers: MedGen C0011053, HP:0000365.

Submissions (2):

Center for Statistical Genetics, Columbia University
Classification: Pathogenic for Deafness. Last evaluated: 2018-09-10. Review status: no assertion criteria provided. Collection method: research. Allele origin: inherited. Affected: yes.
Comment: Autosomal recessive

University of Washington Center for Mendelian Genomics, University of Washington
Classification: Likely pathogenic for non-syndromic autosomal recessive hearing loss. Review status: no assertion criteria provided. Collection method: research. Allele origin: inherited. Affected: yes.

Literature cited by the submitters: PubMed 30303587 (cited by University of Washington Center for Mendelian Genomics, University of Washington).